The following is an entry in ClinVar:

ClinVar aggregate classification (germline): Pathogenic/Likely pathogenic. Review status: criteria provided, multiple submitters, no conflicts (2 of 4 stars). 2 submissions from 2 submitters: Pathogenic (1); Likely pathogenic (1). Last evaluated 2023-08-22.

Conditions:
Familial hemophagocytic lymphohistiocytosis 4 (FHL4). Also called: STX11-Related Familial Hemophagocytic Lymphohistiocytosis (STX11-fHLH). Identifiers: Orphanet 540, MedGen C1863728, MONDO:0011336, OMIM 603552.

Allele frequency attached by ClinVar (database versions not stated): gnomAD exomes below 0.00001; gnomAD 0.00001.
gnomAD v4.1: 2 of 1,613,816 alleles (0.00012%); highest among the groups gnomAD compares: Non-Finnish European, 0.00017%; no homozygotes.

Submissions (2):

Labcorp Genetics (formerly Invitae), Labcorp
Classification: Pathogenic for Familial hemophagocytic lymphohistiocytosis 4. Last evaluated: 2023-08-22. Review status: criteria provided, single submitter. Criteria: Invitae Variant Classification Sherloc (09022015). Collection method: clinical testing. Allele origin: germline.
Comment: This sequence change creates a premature translational stop signal (p.Gln162*) in the STX11 gene. While this is not anticipated to result in nonsense mediated decay, it is expected to disrupt the last 126 amino acid(s) of the STX11 protein. For these reasons, this variant has been classified as Pathogenic. This variant disrupts a region of the STX11 protein in which other variant(s) (p.Gln268*) have been determined to be pathogenic (PMID: 16582076, 17525286). This suggests that this is a clinically significant region of the protein, and that variants that disrupt it are likely to be disease-causing. This variant has not been reported in the literature in individuals affected with STX11-related conditions. This variant is present in population databases (no rsID available, gnomAD 0.007%).

Baylor Genetics
Classification: Likely pathogenic for Familial hemophagocytic lymphohistiocytosis 4. Last evaluated: 2022-06-15. Review status: criteria provided, single submitter. Criteria: ACMG Guidelines, 2015. Collection method: clinical testing. Allele origin: unknown.

Literature cited by the submitters: PubMed 16582076 (cited by Labcorp Genetics (formerly Invitae), Labcorp); PubMed 17525286 (cited by Labcorp Genetics (formerly Invitae), Labcorp).

NM_003764.4(STX11):c.484C>T (p.Gln162Ter)

Gene: STX11 (syntaxin 11; plus strand). Cytogenetic location: 6q24.2.
Variant type: single nucleotide variant.
Coding change: c.484C>T on transcript NM_003764.4 (MANE Select); coding-DNA position 484, C replaced by T.
Protein change: p.Gln162Ter; replaces glutamine 162 with a stop codon.
Molecular consequence: nonsense.
Genome position (GRCh38, 1-based): chr6:144,187,111, C>T. VCF-style: chr6-144187111-C-T. GRCh37 (hg19) VCF-style: chr6-144508248-C-T.
Other names: short protein forms Q162*.
Identifiers: ClinVar variation 2679069 (VCV002679069.4), dbSNP rs1292608555, ClinGen allele CA365949338.